The following is an entry in ClinVar:

NM_000097.7(CPOX):c.395C>T (p.Ala132Val)

Gene: CPOX (coproporphyrinogen oxidase; minus strand). Cytogenetic location: 3q11.2.
Variant type: single nucleotide variant.
Coding change: c.395C>T on transcript NM_000097.7 (MANE Select); coding-DNA position 395, C replaced by T.
Protein change: p.Ala132Val; replaces alanine 132 with valine.
Molecular consequence: missense variant.
Genome position (GRCh38, 1-based): chr3:98,593,110, G>A on the plus strand (C>T on the coding strand, the complement: CPOX is on the minus strand). VCF-style: chr3-98593110-G-A. GRCh37 (hg19) VCF-style: chr3-98311954-G-A.
Other names: c.395C>T, p.Ala132Val (LRG_1077t1); short protein forms A132V.
Identifiers: ClinVar variation 346984 (VCV000346984.25), dbSNP rs147219463, ClinGen allele CA2511710.

ClinVar aggregate classification (germline): Conflicting classifications of pathogenicity. Review status: criteria provided, conflicting classifications (1 of 4 stars). 6 submissions from 6 submitters: Uncertain significance (5); Benign (1). Last evaluated 2026-01-19.

Conditions:
Harderoporphyria (HARPO). Identifiers: Orphanet 659672, MedGen C0342859, MONDO:0030048, OMIM 618892.
Hereditary coproporphyria (HCP). Also called: Porphyria hepatica II; CPRO deficiency; Hereditary coproporphyria porphyria; Porphyria hepatica coproporphyria; COPROPORPHYRINOGEN OXIDASE DEFICIENCY; CPO DEFICIENCY. Identifiers: Orphanet 79273, MedGen C0162531, MONDO:0007369, OMIM 121300.
CPOX-related disorder. Also called: CPOX-related disorders; CPOX-related condition.

Allele frequency attached by ClinVar (database versions not stated): 1000 Genomes Project 30x 0.00031; 1000 Genomes Project 0.00040; gnomAD 0.00043 and 0.00046; ESP Exome Variant Server 0.00046; TOPMed 0.00046; ExAC 0.00048; gnomAD exomes 0.00048.

Submissions (6):

Labcorp Genetics (formerly Invitae), Labcorp
Classification: Uncertain significance. Last evaluated: 2026-01-19. Review status: criteria provided, single submitter. Criteria: Invitae Variant Classification Sherloc (09022015). Collection method: clinical testing. Allele origin: germline.
Comment: This sequence change replaces alanine, which is neutral and non-polar, with valine, which is neutral and non-polar, at codon 132 of the CPOX protein (p.Ala132Val). This variant is present in population databases (rs147219463, gnomAD 0.08%), and has an allele count higher than expected for a pathogenic variant. This variant has not been reported in the literature in individuals affected with CPOX-related conditions. ClinVar contains an entry for this variant (Variation ID: 346984). Invitae Evidence Modeling of protein sequence and biophysical properties (such as structural, functional, and spatial information, amino acid conservation, physicochemical variation, residue mobility, and thermodynamic stability) indicates that this missense variant is not expected to disrupt CPOX protein function with a negative predictive value of 80%. In summary, the available evidence is currently insufficient to determine the role of this variant in disease. Therefore, it has been classified as a Variant of Uncertain Significance.

PreventionGenetics, part of Exact Sciences
Classification: Uncertain significance for CPOX-related condition. Last evaluated: 2025-10-13. Review status: criteria provided, single submitter. Criteria: ACMG Guidelines, 2015. Collection method: clinical testing. Allele origin: germline.
Comment: The CPOX c.395C>T variant is predicted to result in the amino acid substitution p.Ala132Val. This variant has been reported in individuals with coproporphyria (Yasuda et al. 2019. PubMed ID: 30594473; Savino et al. 2022. PubMed ID: 36551954). This variant is reported in 0.080% of alleles in individuals of European (Non-Finnish) descent in gnomAD. Although we suspect that this variant may be benign, at this time, the clinical significance of this variant is uncertain due to the absence of conclusive functional and genetic evidence.

GeneDx
Classification: Uncertain significance. Last evaluated: 2025-09-23. Review status: criteria provided, single submitter. Criteria: GeneDx Variant Classification Process June 2021. Collection method: clinical testing. Allele origin: germline. Affected: yes.
Comment: In silico analysis supports that this missense variant has a deleterious effect on protein structure/function; Has not been previously published as pathogenic or benign to our knowledge

Mayo Clinic Laboratories, Mayo Clinic
Classification: Uncertain significance. Last evaluated: 2025-07-08. Review status: criteria provided, single submitter. Criteria: ACMG Guidelines, 2015. Collection method: clinical testing. Allele origin: germline. Observed: 6 variant alleles.

Blueprint Genetics
Classification: Uncertain significance. Last evaluated: 2024-11-01. Review status: criteria provided, single submitter. Criteria: ACMG Guidelines, 2015. Collection method: clinical testing. Allele origin: germline.

Illumina Laboratory Services, Illumina
Classification: Benign for Hereditary coproporphyria. Last evaluated: 2018-01-13. Review status: criteria provided, single submitter. Criteria: ICSL Variant Classification Criteria 13 December 2019. Collection method: clinical testing. Allele origin: germline.
Comment: This variant was observed in the ICSL laboratory as part of a predisposition screen in an ostensibly healthy population. It had not been previously curated by ICSL or reported in the Human Gene Mutation Database (HGMD: prior to June 1st, 2018), and was therefore a candidate for classification through an automated scoring system. Utilizing variant allele frequency, disease prevalence and penetrance estimates, and inheritance mode, an automated score was calculated to assess if this variant is too frequent to cause the disease. Based on the score and internal cut-off values, a variant classified as benign is not then subjected to further curation. The score for this variant resulted in a classification of benign for this disease.

Literature cited by the submitters: PubMed 30594473 (cited by Mayo Clinic Laboratories, Mayo Clinic); PubMed 36551954 (cited by Mayo Clinic Laboratories, Mayo Clinic).